The following is an entry in ClinVar:

NM_001048174.2(MUTYH):c.420+37T>G

Gene: MUTYH (mutY DNA glycosylase; minus strand). Cytogenetic location: 1p34.1.
Variant type: single nucleotide variant.
Coding change: c.420+37T>G on transcript NM_001048174.2 (MANE Select); 37 bases into the intron after coding-DNA position 420, T replaced by G.
Molecular consequence: intron variant.
Genome position (GRCh38, 1-based): chr1:45,332,881, A>C on the plus strand (T>G on the coding strand, the complement: MUTYH is on the minus strand). VCF-style: chr1-45332881-A-C. GRCh37 (hg19) VCF-style: chr1-45798553-A-C.
Other names: c.420+37T>G (NM_001407072.1, NM_001048171.2, NM_001407070.1 and 5 more transcripts); c.75+37T>G (NM_001350651.2, NM_001350650.2, NM_001407082.1); c.144+37T>G (NM_001293192.2, NM_001293196.2, NM_001407091.1); c.421-47T>G (NM_001407073.1); c.465+37T>G (NM_001293190.2); c.454-47T>G (NM_001407069.1); c.495+37T>G (NM_012222.3); c.504+37T>G (NM_001128425.2); and 7 more.
Identifiers: ClinVar variation 4977579 (VCV004977579.1).

ClinVar aggregate classification (germline): Likely benign (1 of 4 stars; one submission).

Conditions:
MUTYH-related disorder. Also called: MUTYH-related condition; MUTYH-related disorders.

Submission:

PreventionGenetics, part of Exact Sciences
Classification: Likely benign for MUTYH-related condition. Last evaluated: 2024-12-19. Review status: criteria provided, single submitter. Criteria: ACMG Guidelines, 2015. Collection method: clinical testing. Allele origin: germline.
Comment: This variant is classified as likely benign based on ACMG/AMP sequence variant interpretation guidelines (Richards et al. 2015 PMID: 25741868, with internal and published modifications).